The following is an entry in ClinVar:

NM_033305.3(VPS13A):c.1399_1400insTAAGCTGTTAGTTAAAA (p.Tyr467delinsLeuSerCysTer)

Gene: VPS13A (vacuolar protein sorting 13 homolog A; plus strand). Cytogenetic location: 9q21.2.
Variant type: Insertion.
Coding change: c.1399_1400insTAAGCTGTTAGTTAAAA on transcript NM_033305.3 (MANE Select); coding-DNA positions 1399 to 1400, TAAGCTGTTAGTTAAAA inserted.
Protein change: p.Tyr467delinsLeuSerCysTer.
Molecular consequence: nonsense.
Genome position: GRCh38 VCF-style: chr9-77227432-T-TTAAGCTGTTAGTTAAAA. GRCh37 (hg19) VCF-style: chr9-79842348-T-TTAAGCTGTTAGTTAAAA.
Other names: c.1399_1400insTAAGCTGTTAGTTAAAA, p.Tyr467delinsLeuSerCysTer (NM_001018037.2, NM_001018038.3, NM_015186.4).
Identifiers: ClinVar variation 5011030 (VCV005011030.1).
Genomic context (GRCh38, chr9:77,227,432, plus strand): 5'-ACTTCTTTCTGATTTGTAGCTCTTGAAGAAATGTTGACACCTGAAGAAAAAGCTTTACTC[T>TTAAGCTGTTAGTTAAAA]ATGAAGCAATTGGCTATAGTGAAACAGCAGTTGATCCAACTTTACTAAAAACAGTAAGAT-3'

ClinVar aggregate classification (germline): Pathogenic (1 of 4 stars; one submission).

Conditions:
VPS13A-related neurodegenerative disease. Also called: ACANTHOCYTOSIS WITH NEUROLOGIC DISORDER; LEVINE-CRITCHLEY SYNDROME; Choreoacanthocytosis; Chorea-acanthocytosis; Choreaacanthocytosis; VPS13A Disease. Identifiers: Orphanet 2388, MedGen C0393576, MONDO:0008695, OMIM 200150.

Submission:

Myriad Genetics, Inc.
Classification: Pathogenic for VPS13A-related neurodegenerative disease. Last evaluated: 2024-05-14. Review status: criteria provided, single submitter. Criteria: Myriad Autosomal Dominant, Autosomal Recessive and X-Linked Classification Criteria (2023). Collection method: clinical testing. Allele origin: unknown.
Comment: NM_033305.2(VPS13A):c.1399_1400ins17(Y467Lfs*4) is expected to be pathogenic in the context of VPS13A disease. This variant is predicted to lead to an abnormal or absent protein product due to the creation of a premature termination codon in VPS13A, a gene where loss-of-function variants are known to be pathogenic. Please note: this variant was assessed in the context of healthy population screening.